The following is an entry in ClinVar:

ClinVar aggregate classification (germline): Pathogenic (1 of 4 stars; one submission).

Conditions:
Inborn genetic diseases. Identifiers: MedGen C0950123, MeSH D030342.

Submission:

Ambry Genetics
Classification: Pathogenic for Inborn genetic diseases. Last evaluated: 2021-06-25. Review status: criteria provided, single submitter. Criteria: Ambry Variant Classification Scheme 2023. Collection method: clinical testing. Allele origin: germline.
Comment: The c.1189-2A>G intronic variant results from an A to G substitution two nucleotides before exon 14 (coding exon 13) of the TLK2 gene. Alterations that disrupt the canonical splice site are expected to cause aberrant splicing, resulting in an abnormal protein or a transcript that is subject to nonsense-mediated mRNA decay. Based on data from the Genome Aggregation Database (gnomAD), the TLK2 c.1189-2A>G alteration was not observed, with coverage at this position. This nucleotide position is highly conserved in available vertebrate species. In silico splice site analysis predicts that this alteration will weaken the native splice acceptor site. Based on the available evidence, this alteration is classified as pathogenic.

NM_006852.6(TLK2):c.1189-2A>G

Gene: TLK2 (tousled like kinase 2; plus strand). Cytogenetic location: 17q23.2.
Variant type: single nucleotide variant.
Coding change: c.1189-2A>G on transcript NM_006852.6 (MANE Select); the canonical splice acceptor site of the intron before coding-DNA position 1189, A replaced by G.
Molecular consequence: splice acceptor variant.
Genome position (GRCh38, 1-based): chr17:62,578,475, A>G. VCF-style: chr17-62578475-A-G. GRCh37 (hg19) VCF-style: chr17-60655836-A-G.
Other names: c.1093-2A>G (NM_001375272.1, NM_001284363.1); c.904-2A>G (NM_001411074.1); c.742-2A>G (NM_001330418.3, NM_001375273.1); c.1255-2A>G (NM_001284333.3); c.1231-2A>G (NM_001375269.1); c.1189-2A>G (NM_001375271.1, NM_001375270.1).
Identifiers: ClinVar variation 2231467 (VCV002231467.2), dbSNP rs2545778305, ClinGen allele CA400503258.